The following is an entry in ClinVar:

ClinVar aggregate classification (germline): other (0 of 4 stars; one submission).

Conditions:
Familial colorectal cancer. Identifiers: MedGen CN280943, MONDO:0023113. Disease mechanism: loss of function.

Submission:

Systems Biology Platform Zhejiang California International NanoSystems Institute
Classification: other for Familial colorectal cancer. Review status: no assertion criteria provided. Collection method: not provided. Allele origin: unknown.
ClinVar note: Converted during submission from cancer to other.

NM_000038.6(APC):c.834+6209T>G

Gene: APC (APC regulator of WNT signaling pathway; plus strand). Cytogenetic location: 5q22.2.
Variant type: single nucleotide variant.
Coding change: c.834+6209T>G on transcript NM_000038.6 (MANE Select); 6209 bases into the intron after coding-DNA position 834, T replaced by G.
Molecular consequence: intron variant.
Genome position (GRCh38, 1-based): chr5:112,807,592, T>G. VCF-style: chr5-112807592-T-G. GRCh37 (hg19) VCF-style: chr5-112143289-T-G.
Other names: c.834+6209T>G (NM_001354895.2, NM_001127510.3, NM_001354896.2 and 1 more transcripts); c.864+6209T>G (NM_001354897.2, NM_001354902.2); c.780+6209T>G (NM_001127511.3); c.759+6209T>G (NM_001354898.2, NM_001354904.2); c.-201-2534T>G (NM_001354906.2); c.750+6209T>G (NM_001354899.2); c.657+6209T>G (NM_001354900.2, NM_001354901.2, NM_001354905.2).
Identifiers: ClinVar variation 82533 (VCV000082533.2), dbSNP rs74778662, ClinGen allele CA014989.